The following is an entry in ClinVar:

ClinVar aggregate classification (germline): Uncertain significance (1 of 4 stars; one submission).

gnomAD v4.1: 4 of 1,614,118 alleles (0.00025%); highest among the groups gnomAD compares: South Asian, 0.0022%; no homozygotes.

Submission:

Women's Health and Genetics/Laboratory Corporation of America, LabCorp
Classification: Uncertain significance. Last evaluated: 2026-01-05. Review status: criteria provided, single submitter. Criteria: LabCorp Variant Classification Summary - May 2015. Collection method: clinical testing. Allele origin: germline.
Comment: Variant summary: ARHGEF10 c.1689G>T (p.Arg563Ser) results in a non-conservative amino acid change in the encoded protein sequence. Algorithms developed to predict the effect of missense changes on protein structure and function are either unavailable or do not agree on the potential impact of this missense change. The frequency data for this variant in gnomAD is considered unreliable, as metrics indicate poor data quality at this position. To our knowledge, no occurrence of c.1689G>T in individuals affected with ARHGEF10-related conditions and no experimental evidence demonstrating its impact on protein function have been reported. No submitters have cited clinical-significance assessments for this variant to ClinVar. Based on the evidence outlined above, the variant was classified as uncertain significance.

NM_014629.4(ARHGEF10):c.1689G>T (p.Arg563Ser)

Gene: ARHGEF10 (Rho guanine nucleotide exchange factor 10; plus strand). Cytogenetic location: 8p23.3.
Variant type: single nucleotide variant.
Coding change: c.1689G>T on transcript NM_014629.4 (MANE Select); coding-DNA position 1689, G replaced by T.
Protein change: p.Arg563Ser; replaces arginine 563 with serine.
Molecular consequence: missense variant.
Genome position (GRCh38, 1-based): chr8:1,903,319, G>T. VCF-style: chr8-1903319-G-T. GRCh37 (hg19) VCF-style: chr8-1851485-G-T.
Other names: c.1575G>T, p.Arg525Ser (NM_001308152.2, NM_001438094.1); c.1689G>T, p.Arg563Ser (NM_001308153.3); c.1692G>T, p.Arg564Ser (NM_001438091.1); c.1572G>T, p.Arg524Ser (NM_001438092.1, NM_001438093.1); short protein forms R524S, R525S, R563S, R564S, R587S.
Identifiers: ClinVar variation 4689640 (VCV004689640.1).